The following is an entry in ClinVar:

NM_000382.3(ALDH3A2):c.1A>T (p.Met1Leu)

Gene: ALDH3A2 (aldehyde dehydrogenase 3 family member A2; plus strand). Cytogenetic location: 17p11.2.
Variant type: single nucleotide variant.
Coding change: c.1A>T on transcript NM_000382.3 (MANE Select); coding-DNA position 1, A replaced by T.
Protein change: p.Met1Leu; changes the start codon (methionine 1).
Molecular consequence: missense variant, initiator codon variant. On other transcripts: 5 prime UTR variant (1).
Genome position (GRCh38, 1-based): chr17:19,648,972, A>T. VCF-style: chr17-19648972-A-T. GRCh37 (hg19) VCF-style: chr17-19552285-A-T.
Other names: c.1A>T, p.Met1Leu (NM_001031806.2, NM_001369136.1, NM_001369137.2 and 3 more transcripts); c.-688A>T (NM_001369148.2); short protein forms M1L.
Identifiers: ClinVar variation 551717 (VCV000551717.6), dbSNP rs2544348561, ClinGen allele CA398700324.

ClinVar aggregate classification (germline): Likely pathogenic. Review status: criteria provided, single submitter (1 of 4 stars). 2 submissions from 2 submitters: Likely pathogenic (1). 1 of the submissions does not count toward it. Last evaluated 2023-01-19.

Conditions:
Sjögren-Larsson syndrome (SLS). Also called: FALDH DEFICIENCY; FATTY ALCOHOL:NAD+ OXIDOREDUCTASE DEFICIENCY; FATTY ALDEHYDE DEHYDROGENASE DEFICIENCY; ICHTHYOSIS, SPASTIC NEUROLOGIC DISORDER, AND OLIGOPHRENIA. Identifiers: Orphanet 816, MedGen C0037231, MONDO:0010031, OMIM 270200.

Submissions (2):

Women's Health and Genetics/Laboratory Corporation of America, LabCorp
Classification: Likely pathogenic for Sjögren-Larsson syndrome. Last evaluated: 2023-01-19. Review status: criteria provided, single submitter. Criteria: LabCorp Variant Classification Summary - May 2015. Collection method: clinical testing. Allele origin: germline.
Comment: Variant summary: ALDH3A2 c.1A>T (p.Met1?, aka p.Met1Leu) alters the initiation codon and is predicted to result either in absence of the protein or truncation of the encoded protein due to translation initiation at a downstream codon. The first potential downstream in-frame start codon (ATG) is located in the same exon, at Met33. Several other start-lost variants, and truncations upstream from Met33 have been reported in individuals affected with Sjogren-Larsson Syndrome (HGMD). The variant was absent in 201014 control chromosomes (gnomAD). To our knowledge, no occurrence of c.1A>T in individuals affected with Sjogren-Larsson Syndrome and no experimental evidence demonstrating its impact on protein function have been reported. One clinical diagnostic laboratory has submitted clinical-significance assessments for this variant to ClinVar after 2014 without evidence for independent evaluation, and classified the variant as likely pathogenic. Based on the evidence outlined above, the variant was classified as likely pathogenic.

Counsyl
Classification: Likely pathogenic for Sjögren-Larsson syndrome. Last evaluated: 2017-05-02. Review status: no assertion criteria provided. Collection method: clinical testing. Allele origin: unknown. Not counted in ClinVar's aggregate classification.